The following is an entry in ClinVar:

ClinVar aggregate classification (germline): Uncertain significance (1 of 4 stars; one submission).

Submission:

Labcorp Genetics (formerly Invitae), Labcorp
Classification: Uncertain significance. Last evaluated: 2023-01-23. Review status: criteria provided, single submitter. Criteria: Invitae Variant Classification Sherloc (09022015). Collection method: clinical testing. Allele origin: germline.
Comment: This variant has not been reported in the literature in individuals affected with LZTR1-related conditions. This variant is not present in population databases (gnomAD no frequency). This sequence change replaces threonine, which is neutral and polar, with methionine, which is neutral and non-polar, at codon 7 of the LZTR1 protein (p.Thr7Met). Advanced modeling of protein sequence and biophysical properties (such as structural, functional, and spatial information, amino acid conservation, physicochemical variation, residue mobility, and thermodynamic stability) has been performed at Invitae for this missense variant, however the output from this modeling did not meet the statistical confidence thresholds required to predict the impact of this variant on LZTR1 protein function. In summary, the available evidence is currently insufficient to determine the role of this variant in disease. Therefore, it has been classified as a Variant of Uncertain Significance.

NM_006767.4(LZTR1):c.20C>T (p.Thr7Met)

Genes: LZTR1 (leucine zipper like post translational regulator 1; plus strand), LOC130067016 (ATAC-STARR-seq lymphoblastoid silent region 13504; plus strand). Cytogenetic location: 22q11.21.
Variant type: single nucleotide variant.
Coding change: c.20C>T on transcript NM_006767.4 (MANE Select); coding-DNA position 20, C replaced by T.
Protein change: p.Thr7Met; replaces threonine 7 with methionine.
Molecular consequence: missense variant.
Genome position (GRCh38, 1-based): chr22:20,982,391, C>T. VCF-style: chr22-20982391-C-T. GRCh37 (hg19) VCF-style: chr22-21336680-C-T.
Other names: short protein forms T7M.
Identifiers: ClinVar variation 2831214 (VCV002831214.3), dbSNP rs2518607576, ClinGen allele CA410777444.
Genomic context (GRCh38, chr22:20,982,391, plus strand): 5'-AAGTTGGGCTTACAGCGCGGCCGATCCGGCGTGGACCCGGGATGGCTGGACCGGGCAGCA[C>T]GGGGGGGCAGATCGGGGCTGCGGCCCTGGCAGGCGGCGCGCGGTCCAAGGTAGCCCCGAG-3'
Protein context (NP_006758.2, residues 1-17): MAGPGS[Thr7Met]GGQIGAAALA